The following is an entry in ClinVar:

ClinVar aggregate classification (germline): Uncertain significance (1 of 4 stars; one submission).

Submission:

Labcorp Genetics (formerly Invitae), Labcorp
Classification: Uncertain significance. Last evaluated: 2022-03-16. Review status: criteria provided, single submitter. Criteria: Invitae Variant Classification Sherloc (09022015). Collection method: clinical testing. Allele origin: germline.
Comment: This sequence change replaces serine, which is neutral and polar, with arginine, which is basic and polar, at codon 1922 of the LCT protein (p.Ser1922Arg). In summary, the available evidence is currently insufficient to determine the role of this variant in disease. Therefore, it has been classified as a Variant of Uncertain Significance. Algorithms developed to predict the effect of missense changes on protein structure and function are either unavailable or do not agree on the potential impact of this missense change (SIFT: "Not Available"; PolyPhen-2: "Benign"; Align-GVGD: "Not Available"). This variant has not been reported in the literature in individuals affected with LCT-related conditions. This variant is not present in population databases (gnomAD no frequency).

NM_002299.4(LCT):c.5766C>G (p.Ser1922Arg)

Gene: LCT (lactase; minus strand). Cytogenetic location: 2q21.3.
Variant type: single nucleotide variant.
Coding change: c.5766C>G on transcript NM_002299.4 (MANE Select); coding-DNA position 5766, C replaced by G.
Protein change: p.Ser1922Arg; replaces serine 1922 with arginine.
Molecular consequence: missense variant.
Genome position (GRCh38, 1-based): chr2:135,788,342, G>C on the plus strand (C>G on the coding strand, the complement: LCT is on the minus strand). VCF-style: chr2-135788342-G-C. GRCh37 (hg19) VCF-style: chr2-136545912-G-C.
Other names: short protein forms S1922R.
Identifiers: ClinVar variation 2113064 (VCV002113064.4), dbSNP rs1273826559, ClinGen allele CA348583754.